The following is an entry in ClinVar:

NM_000271.5(NPC1):c.2903A>G (p.Asn968Ser)

Gene: NPC1 (NPC intracellular cholesterol transporter 1; minus strand). Cytogenetic location: 18q11.2.
Variant type: single nucleotide variant.
Coding change: c.2903A>G on transcript NM_000271.5 (MANE Select); coding-DNA position 2903, A replaced by G.
Protein change: p.Asn968Ser; replaces asparagine 968 with serine.
Molecular consequence: missense variant.
Genome position (GRCh38, 1-based): chr18:23,539,363, T>C on the plus strand (A>G on the coding strand, the complement: NPC1 is on the minus strand). VCF-style: chr18-23539363-T-C. GRCh37 (hg19) VCF-style: chr18-21119327-T-C.
Other names: short protein forms N968S.
Identifiers: ClinVar variation 554989 (VCV000554989.19), dbSNP rs773767253, ClinGen allele CA8912937.

ClinVar aggregate classification (germline): Pathogenic/Likely pathogenic. Review status: criteria provided, multiple submitters, no conflicts (2 of 4 stars). 9 submissions from 9 submitters: Pathogenic (4); Likely pathogenic (4). 1 of the submissions does not count toward it. Last evaluated 2025-08-07.

Conditions:
Niemann-Pick disease, type C (NPC). Identifiers: Orphanet 646, MedGen C0220756, MONDO:0018982.
NPC1-related disorder. Also called: NPC1-related condition.
Niemann-Pick disease, type C1. Also called: NIEMANN-PICK DISEASE, VARIANT TYPE C1; NEUROVISCERAL STORAGE DISEASE WITH VERTICAL SUPRANUCLEAR OPHTHALMOPLEGIA; NIEMANN-PICK DISEASE WITH CHOLESTEROL ESTERIFICATION BLOCK; NIEMANN-PICK DISEASE WITHOUT SPHINGOMYELINASE DEFICIENCY; NIEMANN-PICK DISEASE, CHRONIC NEURONOPATHIC FORM. Identifiers: Orphanet 646, MedGen C3179455, MONDO:0009757, OMIM 257220.

Allele frequency attached by ClinVar (database versions not stated): gnomAD exomes 0.00002; ExAC 0.00003; TOPMed 0.00004; gnomAD 0.00005.
gnomAD v4.1: 30 of 1,610,350 alleles (0.0019%); highest among the groups gnomAD compares: African/African-American, 0.0094%; no homozygotes.

Submissions (9):

GeneDx
Classification: Likely pathogenic. Last evaluated: 2025-08-07. Review status: criteria provided, single submitter. Criteria: GeneDx Variant Classification Process June 2021. Collection method: clinical testing. Allele origin: germline. Affected: yes.
Comment: Not observed at significant frequency in large population cohorts (gnomAD); In silico analysis suggests that this missense variant does not alter protein structure/function; This variant is associated with the following publications: (PMID: 19252935, 29971198, 27238017, 26666848, 32138288, 26981555, 16126423, Wing Chi Au2019[Case Report], 34810067, 30153451, 15774455, 35861376, 35207755)

Natera, Inc.
Classification: Likely pathogenic for Niemann-Pick disease type C1. Last evaluated: 2025-07-07. Review status: criteria provided, single submitter. Criteria: Natera Variant Classification Schema (03/2026). Collection method: clinical testing. Allele origin: germline.
Comment: The c.2903A>G variant in NPC1 is a missense variant predicted to cause substitution of asparagine to serine at amino acid 968. This variant is rare in the general population with a frequency below the threshold expected for the associated phenotype(s). This variant has been observed in one or more individuals affected with the associated recessive disease, as either homozygous or compound heterozygous with a second variant (PMID: 26666848, 26981555, 15774455, 29971198). Additionally, this variant has been observed to segregate in affected family members (PMID: 29971198). Given the available evidence, this variant is classified as Likely Pathogenic.

Labcorp Genetics (formerly Invitae), Labcorp
Classification: Pathogenic for Niemann-Pick disease, type C1. Last evaluated: 2025-04-08. Review status: criteria provided, single submitter. Criteria: Invitae Variant Classification Sherloc (09022015). Collection method: clinical testing. Allele origin: germline.
Comment: This sequence change replaces asparagine, which is neutral and polar, with serine, which is neutral and polar, at codon 968 of the NPC1 protein (p.Asn968Ser). This variant is present in population databases (rs773767253, gnomAD 0.008%). This missense change has been observed in individual(s) with Niemann-Pick type C (PMID: 16126423, 26666848, 32138288). ClinVar contains an entry for this variant (Variation ID: 554989). Invitae Evidence Modeling of protein sequence and biophysical properties (such as structural, functional, and spatial information, amino acid conservation, physicochemical variation, residue mobility, and thermodynamic stability) has been performed for this missense variant. However, the output from this modeling did not meet the statistical confidence thresholds required to predict the impact of this variant on NPC1 protein function. For these reasons, this variant has been classified as Pathogenic.

PreventionGenetics, part of Exact Sciences
Classification: Pathogenic for NPC1-related condition. Last evaluated: 2024-10-15. Review status: criteria provided, single submitter. Criteria: ACMG Guidelines, 2015. Collection method: clinical testing. Allele origin: germline.
Comment: The NPC1 c.2903A>G variant is predicted to result in the amino acid substitution p.Asn968Ser. This variant has been reported in multiple individuals with Niemann-Pick disease type C (Yang et al. 2005. PubMed ID: 15774455; Imrie et al. 2015. PubMed ID: 26666848; Dardis et al. 2020. PubMed ID: 32138288). This variant is reported in 0.012% of alleles in individuals of African descent in gnomAD. This variant is interpreted as pathogenic.

Genetic Services Laboratory, University of Chicago
Classification: Likely pathogenic. Last evaluated: 2024-03-20. Review status: criteria provided, single submitter. Criteria: ACMG Guidelines, 2015. Collection method: clinical testing. Allele origin: germline. Affected: yes.
Comment: DNA sequence analysis of the NPC1 gene demonstrated a sequence change, c.2903A>G, in exon 19 that results in an amino acid change, p.Asn968Ser. The p.Asn968Ser change affects a moderately conserved amino acid residue located in a domain of the NPC1 protein that is known to be functional. The p.Asn968Ser substitution appears to be benign using several in-silico pathogenicity prediction tools (SIFT, PolyPhen2, Align GVGD, REVEL). This amino acid change has been described along with a second NPC1 variant in several individuals with Niemann-Pick C (PMID: 26981555, 32138288, 16126423). This sequence change has been described in the gnomAD database with a frequency of 0.002% in the overall population (dbSNP rs773767253). The p.Asn968Ser amino acid change occurs in a region of the NPC1 gene where other missense sequence changes have been described in individuals with NPC1-related disorders. Collectively, this evidence indicates that this sequence change is likely pathogenic, however functional studies have not been performed to prove this conclusively.

Women's Health and Genetics/Laboratory Corporation of America, LabCorp
Classification: Pathogenic for Niemann-Pick disease, type C. Last evaluated: 2022-03-25. Review status: criteria provided, single submitter. Criteria: LabCorp Variant Classification Summary - May 2015. Collection method: clinical testing. Allele origin: germline.
Comment: Variant summary: NPC1 c.2903A>G (p.Asn968Ser) results in a conservative amino acid change in the encoded protein sequence. Three of five in-silico tools predict a benign effect of the variant on protein function. The variant allele was found at a frequency of 2e-05 in 251036 control chromosomes (gnomAD). c.2903A>G has been reported in the literature in multiple individuals affected with Niemann-Pick Disease Type C (e.g. Millat_2005, Yang_2005, Imrie_2015, Reunert_2016, Dardis_2020). These data indicate that the variant is very likely to be associated with disease. To our knowledge, no experimental evidence demonstrating an impact on protein function has been reported. A ClinVar submitter (evaluation after 2014) cites the variant as uncertain significance. Based on the evidence outlined above, the variant was classified as pathogenic.

Blueprint Genetics
Classification: Pathogenic for NPC1-related disorders. Last evaluated: 2021-12-17. Review status: criteria provided, single submitter. Criteria: ACMG Guidelines, 2015. Collection method: clinical testing. Allele origin: germline. Affected: yes. Observed: 1 variant allele.

Juno Genomics, Hangzhou Juno Genomics, Inc
Classification: Likely pathogenic for Niemann-Pick disease, type C1. Review status: criteria provided, single submitter. Criteria: ACMG Guidelines, 2015. Collection method: clinical testing. Allele origin: germline. Affected: yes.
Comment: Absent from controls (or at extremely low frequency if recessive) in Genome Aggregation Database, Exome Sequencing Project, 1000 Genomes Project, or Exome Aggregation Consortium.;For recessive disorders, detected in trans with a pathogenic variant.;Patient's phenotype or family history is highly specific for a disease with a single genetic etiology.;Co-segregation with disease in multiple affected family members in a gene definitively known to cause the disease.

Counsyl
Classification: Uncertain significance for Niemann-Pick disease, type C1. Last evaluated: 2017-11-10. Review status: no assertion criteria provided. Collection method: clinical testing. Allele origin: unknown. Not counted in ClinVar's aggregate classification.

Literature cited by the submitters: PubMed 26666848 (cited by 4 submitters); PubMed 26981555 (cited by 3 submitters); PubMed 15774455 (cited by 3 submitters); PubMed 29971198 (cited by Natera, Inc.); PubMed 16126423 (cited by 3 submitters); PubMed 32138288 (cited by Labcorp Genetics (formerly Invitae), Labcorp and Women's Health and Genetics/Laboratory Corporation of America, LabCorp); PubMed 19252935 (cited by Women's Health and Genetics/Laboratory Corporation of America, LabCorp); PubMed 27238017 (cited by Counsyl).